The following is an entry in ClinVar:

NM_001199107.2(TBC1D24):c.530A>G (p.Glu177Gly)

Gene: TBC1D24 (TBC1 domain family member 24; plus strand). Cytogenetic location: 16p13.3.
Variant type: single nucleotide variant.
Coding change: c.530A>G on transcript NM_001199107.2 (MANE Select); coding-DNA position 530, A replaced by G.
Protein change: p.Glu177Gly; replaces glutamic acid 177 with glycine.
Molecular consequence: missense variant.
Genome position (GRCh38, 1-based): chr16:2,496,678, A>G. VCF-style: chr16-2496678-A-G. GRCh37 (hg19) VCF-style: chr16-2546679-A-G.
Other names: c.530A>G, p.Glu177Gly (NM_020705.3); short protein forms E177G.
Identifiers: ClinVar variation 1042875 (VCV001042875.9), dbSNP rs767035291, ClinGen allele CA7844018.

ClinVar aggregate classification (germline): Uncertain significance. Review status: criteria provided, multiple submitters, no conflicts (2 of 4 stars). 2 submissions from 2 submitters: Uncertain significance (2). Last evaluated 2025-06-02.

Conditions:
Inborn genetic diseases. Identifiers: MedGen C0950123, MeSH D030342.
Developmental and epileptic encephalopathy, 1 (DEE1). Also called: X-linked infantile spasms; West's syndrome; Tonic spasms with clustering, arrest of psychomotor development and hypsarrhythmia on EEG; X-Linked Infantile Spasm Syndrome; OHTAHARA SYNDROME, X-LINKED; Epileptic encephalopathy, early infantile, 1. Identifiers: MedGen C3463992, MONDO:0010632, OMIM 308350. Disease mechanism: loss of function.
Autosomal dominant nonsyndromic hearing loss 65. Also called: Deafness, autosomal dominant 65; TBC1D24-Related Autosomal Dominant Nonsyndromic Hearing Loss (DFNA). Identifiers: Orphanet 90635, MedGen C3892048, MONDO:0014470, OMIM 616044.

Allele frequency attached by ClinVar (database versions not stated): gnomAD exomes below 0.00001; TOPMed below 0.00001; ExAC 0.00001; gnomAD 0.00001.
gnomAD v4.1: 2 of 1,613,152 alleles (0.00012%); highest among the groups gnomAD compares: African/African-American, 0.0027%; no homozygotes.

Submissions (2):

Labcorp Genetics (formerly Invitae), Labcorp
Classification: Uncertain significance for Developmental and epileptic encephalopathy, 1; Autosomal dominant nonsyndromic hearing loss 65. Last evaluated: 2025-06-02. Review status: criteria provided, single submitter. Criteria: Invitae Variant Classification Sherloc (09022015). Collection method: clinical testing. Allele origin: germline.
Comment: This sequence change replaces glutamic acid, which is acidic and polar, with glycine, which is neutral and non-polar, at codon 177 of the TBC1D24 protein (p.Glu177Gly). This variant is present in population databases (rs767035291, gnomAD 0.008%). This variant has not been reported in the literature in individuals affected with TBC1D24-related conditions. ClinVar contains an entry for this variant (Variation ID: 1042875). Invitae Evidence Modeling of protein sequence and biophysical properties (such as structural, functional, and spatial information, amino acid conservation, physicochemical variation, residue mobility, and thermodynamic stability) has been performed for this missense variant. However, the output from this modeling did not meet the statistical confidence thresholds required to predict the impact of this variant on TBC1D24 protein function. In summary, the available evidence is currently insufficient to determine the role of this variant in disease. Therefore, it has been classified as a Variant of Uncertain Significance.

Ambry Genetics
Classification: Uncertain significance for Inborn genetic diseases. Last evaluated: 2017-12-04. Review status: criteria provided, single submitter. Criteria: Ambry Variant Classification Scheme 2023. Collection method: clinical testing. Allele origin: germline.
Comment: The p.E177G variant (also known as c.530A>G), located in coding exon 1 of the TBC1D24 gene, results from an A to G substitution at nucleotide position 530. The glutamic acid at codon 177 is replaced by glycine, an amino acid with similar properties. This amino acid position is well conserved in available vertebrate species. In addition, the in silico prediction for this alteration is inconclusive. Since supporting evidence is limited at this time, the clinical significance of this alteration remains unclear.